The following is an entry in ClinVar:

ClinVar aggregate classification (germline): Uncertain significance (1 of 4 stars; one submission).

Submission:

Labcorp Genetics (formerly Invitae), Labcorp
Classification: Uncertain significance. Last evaluated: 2025-01-17. Review status: criteria provided, single submitter. Criteria: Invitae Variant Classification Sherloc (09022015). Collection method: clinical testing. Allele origin: germline.
Comment: This sequence change replaces glutamic acid, which is acidic and polar, with glycine, which is neutral and non-polar, at codon 295 of the ICOSLG protein (p.Glu295Gly). This variant is not present in population databases (gnomAD no frequency). This variant has not been reported in the literature in individuals affected with ICOSLG-related conditions. An algorithm developed to predict the effect of missense changes on protein structure and function (PolyPhen-2) suggests that this variant is likely to be disruptive. In summary, the available evidence is currently insufficient to determine the role of this variant in disease. Therefore, it has been classified as a Variant of Uncertain Significance.

NM_015259.6(ICOSLG):c.884A>G (p.Glu295Gly)

Gene: ICOSLG (inducible T cell costimulator ligand; minus strand). Cytogenetic location: 21q22.3.
Variant type: single nucleotide variant.
Coding change: c.884A>G on transcript NM_015259.6 (MANE Select); coding-DNA position 884, A replaced by G.
Protein change: p.Glu295Gly; replaces glutamic acid 295 with glycine.
Molecular consequence: missense variant.
Genome position (GRCh38, 1-based): chr21:44,230,068, T>C on the plus strand (A>G on the coding strand, the complement: ICOSLG is on the minus strand). VCF-style: chr21-44230068-T-C. GRCh37 (hg19) VCF-style: chr21-45649951-T-C.
Other names: c.884A>G, p.Glu295Gly (NM_001283050.2, NM_001395918.1); c.533A>G, p.Glu178Gly (NM_001283051.2); c.629A>G, p.Glu210Gly (NM_001283052.2); c.803A>G, p.Glu268Gly (NM_001365759.2); short protein forms E178G, E210G, E268G, E295G.
Identifiers: ClinVar variation 3624640 (VCV003624640.2).
Genomic context (GRCh38, chr21:44,230,068, plus strand): 5'-CTCCCCTGGGCCCCCCAGAACCTGCTGCTTCCCACGGCAAACTCACCAGTGAGCTCTGTC[T>C]CCGGACTCACAGCCCAGGCACCTGGAGGACAAACCAAAATGGTCAGGGCAGCAGCGATGG-3'
Protein context (NP_056074.1, residues 285-302): SYAGAWAVSP[Glu295Gly]TELTGHV